The following is an entry in ClinVar:

NM_152743.4(BRAT1):c.1772G>A (p.Ser591Asn)

Gene: BRAT1 (BRCA1 associated ATM activator 1; minus strand). Cytogenetic location: 7p22.3.
Variant type: single nucleotide variant.
Coding change: c.1772G>A on transcript NM_152743.4 (MANE Select); coding-DNA position 1772, G replaced by A.
Protein change: p.Ser591Asn; replaces serine 591 with asparagine.
Molecular consequence: missense variant. On other transcripts: non-coding transcript variant (1).
Genome position (GRCh38, 1-based): chr7:2,538,763, C>T on the plus strand (G>A on the coding strand, the complement: BRAT1 is on the minus strand). VCF-style: chr7-2538763-C-T. GRCh37 (hg19) VCF-style: chr7-2578397-C-T.
Other names: c.1952G>A, p.Ser651Asn (NM_001350626.2); c.1247G>A, p.Ser416Asn (NM_001350627.2); short protein forms S591N, S416N, S651N.
Identifiers: ClinVar variation 853691 (VCV000853691.9), dbSNP rs1778900545, ClinGen allele CA366625922.

ClinVar aggregate classification (germline): Uncertain significance (1 of 4 stars; one submission).

Conditions:
Neonatal-onset encephalopathy with rigidity and seizures. Also called: Lethal neonatal spasticity-epileptic encephalopathy syndrome. Identifiers: Orphanet 435845, MedGen C3281029, MONDO:0013784, OMIM 614498.

Allele frequency attached by ClinVar (database versions not stated): TOPMed below 0.00001.

Submission:

Labcorp Genetics (formerly Invitae), Labcorp
Classification: Uncertain significance for Neonatal-onset encephalopathy with rigidity and seizures. Last evaluated: 2023-10-13. Review status: criteria provided, single submitter. Criteria: Invitae Variant Classification Sherloc (09022015). Collection method: clinical testing. Allele origin: germline.
Comment: This sequence change replaces serine, which is neutral and polar, with asparagine, which is neutral and polar, at codon 591 of the BRAT1 protein (p.Ser591Asn). This variant is not present in population databases (gnomAD no frequency). This variant has not been reported in the literature in individuals affected with BRAT1-related conditions. ClinVar contains an entry for this variant (Variation ID: 853691). Algorithms developed to predict the effect of missense changes on protein structure and function output the following: SIFT: "Not Available"; PolyPhen-2: "Benign"; Align-GVGD: "Not Available". The asparagine amino acid residue is found in multiple mammalian species, which suggests that this missense change does not adversely affect protein function. In summary, the available evidence is currently insufficient to determine the role of this variant in disease. Therefore, it has been classified as a Variant of Uncertain Significance.